The following is an entry in ClinVar:

NM_001378452.1(ITPR1):c.2664A>G (p.Leu888=)

Gene: ITPR1 (inositol 1,4,5-trisphosphate receptor type 1; plus strand). Cytogenetic location: 3p26.1.
Variant type: single nucleotide variant.
Coding change: c.2664A>G on transcript NM_001378452.1 (MANE Select); coding-DNA position 2664, A replaced by G.
Protein change: p.Leu888=; no amino-acid change (leucine 888 retained).
Molecular consequence: synonymous variant.
Genome position (GRCh38, 1-based): chr3:4,675,133, A>G. VCF-style: chr3-4675133-A-G. GRCh37 (hg19) VCF-style: chr3-4716817-A-G.
Other names: c.2664A>G, p.Leu888= (NM_001099952.4); c.2619A>G, p.Leu873= (NM_001168272.2, NM_002222.7).
Identifiers: ClinVar variation 2653455 (VCV002653455.26), dbSNP rs776684519, ClinGen allele CA2231477.
Genomic context (GRCh38, chr3:4,675,133, plus strand): 5'-AAATTTAGCTAGGAATCTCATATACTTTGGTTTCTACAACTTCTCTGACCTTCTACGATT[A>G]ACTAAGATCCTTCTGGCCATATTGGACTGTGTACATGTGACAACAATCTTCCCCATTAGC-3'
Protein context (NP_001365381.1, residues 878-898): GFYNFSDLLR[Leu888=]TKILLAILDC

ClinVar aggregate classification (germline): Likely benign. Review status: criteria provided, multiple submitters, no conflicts (2 of 4 stars). 2 submissions from 2 submitters: Likely benign (2). Last evaluated 2024-05-07.

Allele frequency attached by ClinVar (database versions not stated): ExAC 0.00001; gnomAD 0.00001; gnomAD exomes 0.00001.
gnomAD v4.1: 15 of 1,608,542 alleles (0.00093%); highest among the groups gnomAD compares: Middle Eastern, 0.066%; 1 homozygote.

Submissions (2):

Labcorp Genetics (formerly Invitae), Labcorp
Classification: Likely benign. Last evaluated: 2024-05-07. Review status: criteria provided, single submitter. Criteria: Invitae Variant Classification Sherloc (09022015). Collection method: clinical testing. Allele origin: germline.

CeGaT Center for Human Genetics Tuebingen
Classification: Likely benign. Last evaluated: 2022-05-01. Review status: criteria provided, single submitter. Criteria: CeGaT Center For Human Genetics Tuebingen Variant Classification Criteria Version 2. Collection method: clinical testing. Allele origin: germline. Affected: yes. Observed: 1 variant allele.
Comment: ITPR1: BP4, BP7